The following is an entry in ClinVar:

NM_001349338.3(FOXP1):c.836G>A (p.Gly279Glu)

Gene: FOXP1 (forkhead box P1; minus strand). Cytogenetic location: 3p13.
Variant type: single nucleotide variant.
Coding change: c.836G>A on transcript NM_001349338.3 (MANE Select); coding-DNA position 836, G replaced by A.
Protein change: p.Gly279Glu; replaces glycine 279 with glutamic acid.
Molecular consequence: missense variant. On other transcripts: non-coding transcript variant (2).
Genome position (GRCh38, 1-based): chr3:71,041,361, C>T on the plus strand (G>A on the coding strand, the complement: FOXP1 is on the minus strand). VCF-style: chr3-71041361-C-T. GRCh37 (hg19) VCF-style: chr3-71090512-C-T.
Other names: c.836G>A, p.Gly279Glu (NM_001244808.3, NM_001244810.2, NM_001244814.3 and 4 more transcripts); c.608G>A, p.Gly203Glu (NM_001244812.3); c.536G>A, p.Gly179Glu (NM_001244813.3, NM_001244815.2, NM_001349342.3 and 1 more transcripts); c.533G>A, p.Gly178Glu (NM_001349337.2, NM_001349343.3, NM_001349344.3); c.833G>A, p.Gly278Glu (NM_001349341.3); short protein forms G179E, G203E, G178E, G279E, G278E.
Identifiers: ClinVar variation 2006653 (VCV002006653.4), dbSNP rs750926203, ClinGen allele CA353562616.

ClinVar aggregate classification (germline): Uncertain significance (1 of 4 stars; one submission).

Submission:

Labcorp Genetics (formerly Invitae), Labcorp
Classification: Uncertain significance. Last evaluated: 2022-07-23. Review status: criteria provided, single submitter. Criteria: Invitae Variant Classification Sherloc (09022015). Collection method: clinical testing. Allele origin: germline.
Comment: This sequence change replaces glycine, which is neutral and non-polar, with glutamic acid, which is acidic and polar, at codon 279 of the FOXP1 protein (p.Gly279Glu). In summary, the available evidence is currently insufficient to determine the role of this variant in disease. Therefore, it has been classified as a Variant of Uncertain Significance. Algorithms developed to predict the effect of missense changes on protein structure and function are either unavailable or do not agree on the potential impact of this missense change (SIFT: "Tolerated"; PolyPhen-2: "Probably Damaging"; Align-GVGD: "Class C0"). This variant has not been reported in the literature in individuals affected with FOXP1-related conditions. This variant is not present in population databases (gnomAD no frequency).